The following is an entry in ClinVar:

ClinVar aggregate classification (germline): Uncertain significance. Review status: criteria provided, multiple submitters, no conflicts (2 of 4 stars). 2 submissions from 2 submitters: Uncertain significance (2). Last evaluated 2025-04-11.

Conditions:
Hereditary cancer-predisposing syndrome. Also called: Tumor predisposition; Hereditary neoplastic syndrome; Hereditary Cancer Syndrome; Neoplastic Syndromes, Hereditary. Identifiers: Orphanet 140162, MedGen C0027672, MeSH D009386, MONDO:0015356.
Parathyroid carcinoma (PRTC). Also called: Parathyroid gland carcinoma; CDC73-Related Parathyroid Carcinoma. Identifiers: Orphanet 143, MedGen C0687150, MONDO:0012004, OMIM 608266, HP:0006780.

Allele frequency attached by ClinVar (database versions not stated): TOPMed below 0.00001; gnomAD 0.00001.
gnomAD v4.1: 1 of 1,613,284 alleles (0.000062%); highest among the groups gnomAD compares: Non-Finnish European, 0.000085%; no homozygotes.

Submissions (2):

Ambry Genetics
Classification: Uncertain significance for Hereditary cancer-predisposing syndrome. Last evaluated: 2025-04-11. Review status: criteria provided, single submitter. Criteria: Ambry Variant Classification Scheme 2023. Collection method: clinical testing. Allele origin: germline.
Comment: The p.M412V variant (also known as c.1234A>G), located in coding exon 14 of the CDC73 gene, results from an A to G substitution at nucleotide position 1234. The methionine at codon 412 is replaced by valine, an amino acid with highly similar properties. This amino acid position is not well conserved in available vertebrate species. In addition, this alteration is predicted to be tolerated by in silico analysis. Since supporting evidence is limited at this time, the clinical significance of this alteration remains unclear.

Labcorp Genetics (formerly Invitae), Labcorp
Classification: Uncertain significance for Parathyroid carcinoma. Last evaluated: 2024-12-18. Review status: criteria provided, single submitter. Criteria: Invitae Variant Classification Sherloc (09022015). Collection method: clinical testing. Allele origin: germline.
Comment: This sequence change replaces methionine, which is neutral and non-polar, with valine, which is neutral and non-polar, at codon 412 of the CDC73 protein (p.Met412Val). This variant is not present in population databases (gnomAD no frequency). This variant has not been reported in the literature in individuals affected with CDC73-related conditions. ClinVar contains an entry for this variant (Variation ID: 577846). An algorithm developed to predict the effect of missense changes on protein structure and function (PolyPhen-2) suggests that this variant is likely to be tolerated. RNA analysis performed to evaluate the impact of this missense change on mRNA splicing indicates it does not significantly alter splicing (internal data). In summary, the available evidence is currently insufficient to determine the role of this variant in disease. Therefore, it has been classified as a Variant of Uncertain Significance.

NM_024529.5(CDC73):c.1234A>G (p.Met412Val)

Gene: CDC73 (cell division cycle 73; plus strand). Cytogenetic location: 1q31.2.
Variant type: single nucleotide variant.
Coding change: c.1234A>G on transcript NM_024529.5 (MANE Select); coding-DNA position 1234, A replaced by G.
Protein change: p.Met412Val; replaces methionine 412 with valine.
Molecular consequence: missense variant.
Genome position (GRCh38, 1-based): chr1:193,233,072, A>G. VCF-style: chr1-193233072-A-G. GRCh37 (hg19) VCF-style: chr1-193202202-A-G.
Other names: short protein forms M412V.
Identifiers: ClinVar variation 577846 (VCV000577846.13), dbSNP rs752959843, ClinGen allele CA344077892.